The following is an entry in ClinVar:

ClinVar aggregate classification (germline): Uncertain significance (1 of 4 stars; one submission).

Conditions:
Beta-D-mannosidosis (MANSB). Also called: Beta-Mannosidosis; MANNOSIDOSIS, BETA A, LYSOSOMAL; BETA-MANNOSIDASE DEFICIENCY; LYSOSOMAL BETA-MANNOSIDASE DEFICIENCY. Identifiers: Orphanet 118, MedGen C4048196, MONDO:0009562, OMIM 248510.

Submission:

Labcorp Genetics (formerly Invitae), Labcorp
Classification: Uncertain significance for Beta-D-mannosidosis. Last evaluated: 2021-05-28. Review status: criteria provided, single submitter. Criteria: Invitae Variant Classification Sherloc (09022015). Collection method: clinical testing. Allele origin: germline.
Comment: This variant is not present in population databases (ExAC no frequency). In summary, the available evidence is currently insufficient to determine the role of this variant in disease. Therefore, it has been classified as a Variant of Uncertain Significance. Algorithms developed to predict the effect of missense changes on protein structure and function (SIFT, PolyPhen-2, Align-GVGD) all suggest that this variant is likely to be tolerated, but these predictions have not been confirmed by published functional studies and their clinical significance is uncertain. This variant has not been reported in the literature in individuals with MANBA-related conditions. This sequence change replaces lysine with glutamine at codon 801 of the MANBA protein (p.Lys801Gln). The lysine residue is moderately conserved and there is a small physicochemical difference between lysine and glutamine.

NM_005908.4(MANBA):c.2401A>C (p.Lys801Gln)

Gene: MANBA (mannosidase beta; minus strand). Cytogenetic location: 4q24.
Variant type: single nucleotide variant.
Coding change: c.2401A>C on transcript NM_005908.4 (MANE Select); coding-DNA position 2401, A replaced by C.
Protein change: p.Lys801Gln; replaces lysine 801 with glutamine.
Molecular consequence: missense variant.
Genome position (GRCh38, 1-based): chr4:102,634,802, T>G on the plus strand (A>C on the coding strand, the complement: MANBA is on the minus strand). VCF-style: chr4-102634802-T-G. GRCh37 (hg19) VCF-style: chr4-103555959-T-G.
Other names: short protein forms K801Q.
Identifiers: ClinVar variation 1494272 (VCV001494272.8), dbSNP rs2110188388, ClinGen allele CA357756570.